The following is an entry in ClinVar:

ClinVar aggregate classification (germline): Uncertain significance. Review status: criteria provided, multiple submitters, no conflicts (2 of 4 stars). 2 submissions from 2 submitters: Uncertain significance (2). Last evaluated 2025-08-07.

Conditions:
Inborn genetic diseases. Identifiers: MedGen C0950123, MeSH D030342.

Submissions (2):

Ambry Genetics
Classification: Uncertain significance for Inborn genetic diseases. Last evaluated: 2025-08-07. Review status: criteria provided, single submitter. Criteria: Ambry Variant Classification Scheme 2023. Collection method: clinical testing. Allele origin: germline.

GeneDx
Classification: Uncertain significance. Last evaluated: 2023-12-15. Review status: criteria provided, single submitter. Criteria: GeneDx Variant Classification Process June 2021. Collection method: clinical testing. Allele origin: germline. Affected: yes.
Comment: Has not been previously published as pathogenic or benign to our knowledge; Not observed at significant frequency in large population cohorts (gnomAD); In silico analysis supports that this missense variant does not alter protein structure/function

NM_019066.5(MAGEL2):c.1724C>G (p.Ser575Cys)

Gene: MAGEL2 (MAGE family member L2; minus strand). Cytogenetic location: 15q11.2.
Variant type: single nucleotide variant.
Coding change: c.1724C>G on transcript NM_019066.5 (MANE Select); coding-DNA position 1724, C replaced by G.
Protein change: p.Ser575Cys; replaces serine 575 with cysteine.
Molecular consequence: missense variant.
Genome position (GRCh38, 1-based): chr15:23,646,019, G>C on the plus strand (C>G on the coding strand, the complement: MAGEL2 is on the minus strand). VCF-style: chr15-23646019-G-C. GRCh37 (hg19) VCF-style: chr15-23891166-G-C.
Other names: short protein forms S575C.
Identifiers: ClinVar variation 3252799 (VCV003252799.2), dbSNP rs2140715156.